The following is an entry in ClinVar:

NM_024422.6(DSC2):c.286A>T (p.Ile96Leu)

Gene: DSC2 (desmocollin 2; minus strand). Cytogenetic location: 18q12.1.
Variant type: single nucleotide variant.
Coding change: c.286A>T on transcript NM_024422.6 (MANE Select); coding-DNA position 286, A replaced by T.
Protein change: p.Ile96Leu; replaces isoleucine 96 with leucine.
Molecular consequence: missense variant.
Genome position (GRCh38, 1-based): chr18:31,092,169, T>A on the plus strand (A>T on the coding strand, the complement: DSC2 is on the minus strand). VCF-style: chr18-31092169-T-A. GRCh37 (hg19) VCF-style: chr18-28672132-T-A.
Other names: c.-144A>T (NM_001406506.1, NM_001406507.1); c.286A>T, p.Ile96Leu (NM_004949.5); short protein forms I96L.
Identifiers: ClinVar variation 2441033 (VCV002441033.6), dbSNP rs772447450, ClinGen allele CA402114711.
Genomic context (GRCh38, chr18:31,092,169, plus strand): 5'-GATGCTCCAAAAAGACAAATATTTTCTTCTTTTCTTGGTTCTCAGTGTTGGAAAGTAATA[T>A]GGTAAAACTTCTCTTCTCCGAGGACAATAGAATAGTATTTGTTGTATAGACTGAACCATC-3'
Protein context (NP_077740.1, residues 86-106): LLSSEKRSFT[Ile96Leu]LLSNTENQEK

ClinVar aggregate classification (germline): Uncertain significance. Review status: criteria provided, multiple submitters, no conflicts (2 of 4 stars). 2 submissions from 2 submitters: Uncertain significance (2). Last evaluated 2023-02-26.

Conditions:
Arrhythmogenic right ventricular dysplasia 11. Also called: Arrhythmogenic Right Ventricular Dysplasia/Cardiomyopathy11; ARRHYTHMOGENIC RIGHT VENTRICULAR DYSPLASIA, FAMILIAL, 11; Arrhythmogenic right ventricular dysplasia 11 with mild palmoplantar keratoderma and woolly hair. Identifiers: MedGen C1864850, MONDO:0012506, OMIM 610476.

Submissions (2):

Labcorp Genetics (formerly Invitae), Labcorp
Classification: Uncertain significance for Arrhythmogenic right ventricular dysplasia 11. Last evaluated: 2023-02-26. Review status: criteria provided, single submitter. Criteria: Invitae Variant Classification Sherloc (09022015). Collection method: clinical testing. Allele origin: germline.
Comment: This sequence change replaces isoleucine, which is neutral and non-polar, with leucine, which is neutral and non-polar, at codon 96 of the DSC2 protein (p.Ile96Leu). This variant is not present in population databases (gnomAD no frequency). In summary, the available evidence is currently insufficient to determine the role of this variant in disease. Therefore, it has been classified as a Variant of Uncertain Significance. Advanced modeling of protein sequence and biophysical properties (such as structural, functional, and spatial information, amino acid conservation, physicochemical variation, residue mobility, and thermodynamic stability) has been performed at Invitae for this missense variant, however the output from this modeling did not meet the statistical confidence thresholds required to predict the impact of this variant on DSC2 protein function. This variant has not been reported in the literature in individuals affected with DSC2-related conditions.

Revvity Omics, Revvity
Classification: Uncertain significance for Arrhythmogenic right ventricular dysplasia 11. Last evaluated: 2021-03-08. Review status: criteria provided, single submitter. Criteria: ACMG Guidelines, 2015. Collection method: clinical testing. Allele origin: germline.